The following is an entry in ClinVar:

ClinVar aggregate classification (germline): Likely pathogenic (1 of 4 stars; one submission).

Conditions:
Intellectual developmental disorder with dysmorphic facies and behavioral abnormalities. Identifiers: MedGen C4748135, MONDO:0060760, OMIM 618089.

Submission:

Institute of Human Genetics, University of Leipzig Medical Center
Classification: Likely pathogenic for Intellectual developmental disorder with dysmorphic facies and behavioral abnormalities. Last evaluated: 2021-12-21. Review status: criteria provided, single submitter. Criteria: ACMG Guidelines, 2015. Collection method: research. Allele origin: de novo. Affected: yes.
Comment: This variant was identified as de novo (maternity and paternity confirmed).

Literature cited by the submitters: PubMed 34505148.

NM_001190274.2(FBXO11):c.2036A>G (p.Asn679Ser)

Gene: FBXO11 (F-box protein 11; minus strand). Cytogenetic location: 2p16.3.
Variant type: single nucleotide variant.
Coding change: c.2036A>G on transcript NM_001190274.2 (MANE Select); coding-DNA position 2036, A replaced by G.
Protein change: p.Asn679Ser; replaces asparagine 679 with serine.
Molecular consequence: missense variant.
Genome position (GRCh38, 1-based): chr2:47,813,838, T>C on the plus strand (A>G on the coding strand, the complement: FBXO11 is on the minus strand). VCF-style: chr2-47813838-T-C. GRCh37 (hg19) VCF-style: chr2-48040977-T-C.
Other names: c.1784A>G, p.Asn595Ser (NM_001374325.1, NM_025133.4); short protein forms N595S, N679S.
Identifiers: ClinVar variation 975955 (VCV000975955.2), dbSNP rs1670806923, ClinGen allele CA346763607.